The following is an entry in ClinVar:

NM_003361.4(UMOD):c.115G>A (p.Ala39Thr)

Gene: UMOD (uromodulin; minus strand). Cytogenetic location: 16p12.3.
Variant type: single nucleotide variant.
Coding change: c.115G>A on transcript NM_003361.4 (MANE Select); coding-DNA position 115, G replaced by A.
Protein change: p.Ala39Thr; replaces alanine 39 with threonine.
Molecular consequence: missense variant. On other transcripts: non-coding transcript variant (1).
Genome position (GRCh38, 1-based): chr16:20,349,186, C>T on the plus strand (G>A on the coding strand, the complement: UMOD is on the minus strand). VCF-style: chr16-20349186-C-T. GRCh37 (hg19) VCF-style: chr16-20360508-C-T.
Other names: c.115G>A, p.Ala39Thr (NM_001008389.3, NM_001378232.1, NM_001378233.1 and 3 more transcripts); c.214G>A, p.Ala72Thr (NM_001278614.2); c.115G>A (NM_003361.3); short protein forms A39T, A72T.
Identifiers: ClinVar variation 1441223 (VCV001441223.10), dbSNP rs1245943973, ClinGen allele CA394965659.
Genomic context (GRCh38, chr16:20,349,186, plus strand): 5'-CGCCGGTGAAGCCCTCCTGACAGGTGCACGTCGTAACGGCCTCATCCTCCGTGCAGGTGG[C>T]ATTGCTGTGACATTCAGAGCACCATCCTGTGGACAGAAAAGCCCAGCTTCAGGGTTTGGG-3'
Protein context (NP_003352.2, residues 29-49): ARWCSECHSN[Ala39Thr]TCTEDEAVTT

ClinVar aggregate classification (germline): Conflicting classifications of pathogenicity. Review status: criteria provided, conflicting classifications (1 of 4 stars). 3 submissions from 3 submitters: Likely pathogenic (2); Uncertain significance (1). Last evaluated 2026-02-10.

Conditions:
Familial juvenile hyperuricemic nephropathy type 1 (ADTKD1). Also called: Autosomal Dominant Tubulointerstitial Kidney Disease – UMOD; UMOD-Associated Kidney Disease; Uromodulin-associated kidney disease; Glomerulocystic kidney disease with hyperuricemia and isosthenuria; Medullary cystic kidney disease 2. Identifiers: Orphanet 209886, Orphanet 34149, Orphanet 88950, MedGen C4551496, MONDO:0008073, OMIM 162000.

Allele frequency attached by ClinVar (database versions not stated): gnomAD exomes below 0.00001; TOPMed below 0.00001; gnomAD 0.00001.
gnomAD v4.1: 6 of 1,613,708 alleles (0.00037%); highest among the groups gnomAD compares: Admixed American, 0.0017%; no homozygotes.

Submissions (3):

Victorian Clinical Genetics Services, Murdoch Childrens Research Institute
Classification: Likely pathogenic for Familial juvenile hyperuricemic nephropathy type 1. Last evaluated: 2026-02-10. Review status: criteria provided, single submitter. Criteria: ACMG Guidelines, 2015. Collection method: clinical testing. Allele origin: germline. Affected: yes.
Comment: This variant is classified as Likely pathogenic. Evidence in support of pathogenic classification: Variant is present in gnomAD <0.001 for a dominant condition (v4: 6 heterozygote(s), 0 homozygote(s)); This variant has moderate previous evidence of pathogenicity in unrelated individuals. This variant has been reported in the literature in individuals with tubulointerstitial kidney disease or renal disease (PMID: 24961278, 31672324, 32450155, 32954071). It was also classified as VUS by a clinical laboratory in ClinVar; This variant has evidence for segregation with disease. This variant has been found in at least four affected individuals with end stage renal disease or chronic kidney disease in a large family (PMID: 24961278); Missense variant predicted to be damaging by in silico tool(s) or highly conserved with a major amino acid change. Additional information: Variant is predicted to result in a missense amino acid change from Ala to Thr; This variant is heterozygous; This gene is associated with autosomal dominant disease; Alternative amino acid change(s) at the same position are present in gnomAD (highest allele count: v4: 2 heterozygote(s), 0 homozygote(s)); Another missense variant comparable to the one identified in this case have inconclusive previous evidence for pathogenicity. p.(Ala39Pro) has been reported in an individual with nephronophthisis and classified as VUS (PMID: 32939031). It was also reported in an individual with ESRD and nephronophtisis (VCGS cohort); Variant is located in the annotated EGF domain (DECIPHER); Dominant negative is a known mechanism of disease in this gene and is associated with autosomal dominant tubulointerstitial kidney disease 1 (MIM#162000) (PMID: 22117067). - Variants in this gene are known to have variable expressivity. Intrafamilial variability has been described (PMID: 21868615); Inheritance information for this variant is not currently available in this individual.

Labcorp Genetics (formerly Invitae), Labcorp
Classification: Uncertain significance. Last evaluated: 2021-03-30. Review status: criteria provided, single submitter. Criteria: Invitae Variant Classification Sherloc (09022015). Collection method: clinical testing. Allele origin: germline.
Comment: In summary, the available evidence is currently insufficient to determine the role of this variant in disease. Therefore, it has been classified as a Variant of Uncertain Significance. Algorithms developed to predict the effect of missense changes on protein structure and function are either unavailable or do not agree on the potential impact of this missense change (SIFT: "Deleterious"; PolyPhen-2: "Probably Damaging"; Align-GVGD: "Class C0"). This variant has been observed in individual(s) with clinical features of tubulointerstitial kidney disease (PMID: 31672324, 24961278). This variant is not present in population databases (ExAC no frequency). This sequence change replaces alanine with threonine at codon 39 of the UMOD protein (p.Ala39Thr). The alanine residue is moderately conserved and there is a small physicochemical difference between alanine and threonine.

Clinical Genetics Service, Universitary Hospital 12 de Octubre
Classification: Likely pathogenic for Familial juvenile hyperuricemic nephropathy type 1. Review status: criteria provided, single submitter. Criteria: ACMG Guidelines, 2015. Collection method: clinical testing. Allele origin: germline. Affected: yes.

Literature cited by the submitters: PubMed 21868615 (cited by Victorian Clinical Genetics Services, Murdoch Childrens Research Institute); PubMed 22117067 (cited by Victorian Clinical Genetics Services, Murdoch Childrens Research Institute); PubMed 32450155 (cited by Victorian Clinical Genetics Services, Murdoch Childrens Research Institute); PubMed 32954071 (cited by Victorian Clinical Genetics Services, Murdoch Childrens Research Institute); PubMed 31672324 (cited by Victorian Clinical Genetics Services, Murdoch Childrens Research Institute and Labcorp Genetics (formerly Invitae), Labcorp); PubMed 24961278 (cited by Victorian Clinical Genetics Services, Murdoch Childrens Research Institute and Labcorp Genetics (formerly Invitae), Labcorp); PubMed 32939031 (cited by Victorian Clinical Genetics Services, Murdoch Childrens Research Institute).